The following is an entry in ClinVar:

NM_003105.6(SORL1):c.2483A>G (p.Asn828Ser)

Gene: SORL1 (sortilin related receptor 1; plus strand). Cytogenetic location: 11q24.1.
Variant type: single nucleotide variant.
Coding change: c.2483A>G on transcript NM_003105.6 (MANE Select); coding-DNA position 2483, A replaced by G.
Protein change: p.Asn828Ser; replaces asparagine 828 with serine.
Molecular consequence: missense variant.
Genome position (GRCh38, 1-based): chr11:121,555,230, A>G. VCF-style: chr11-121555230-A-G. GRCh37 (hg19) VCF-style: chr11-121425939-A-G.
Other names: short protein forms N828S.
Identifiers: ClinVar variation 2073220 (VCV002073220.4), dbSNP rs377222446, ClinGen allele CA6328964.

ClinVar aggregate classification (germline): Uncertain significance (1 of 4 stars; one submission).

Allele frequency attached by ClinVar (database versions not stated): gnomAD exomes 0.00014; ExAC 0.00016; gnomAD 0.00016; 1000 Genomes Project 0.00020; TOPMed 0.00030; 1000 Genomes Project 30x 0.00031; ESP Exome Variant Server 0.00031.
gnomAD v4.1: 229 of 1,614,080 alleles (0.014%); highest among the groups gnomAD compares: Admixed American, 0.038%; no homozygotes.

Submission:

Labcorp Genetics (formerly Invitae), Labcorp
Classification: Uncertain significance. Last evaluated: 2025-05-05. Review status: criteria provided, single submitter. Criteria: Invitae Variant Classification Sherloc (09022015). Collection method: clinical testing. Allele origin: germline.
Comment: This sequence change replaces asparagine, which is neutral and polar, with serine, which is neutral and polar, at codon 828 of the SORL1 protein (p.Asn828Ser). This variant is present in population databases (rs377222446, gnomAD 0.03%), and has an allele count higher than expected for a pathogenic variant. This variant has not been reported in the literature in individuals affected with SORL1-related conditions. ClinVar contains an entry for this variant (Variation ID: 2073220). An algorithm developed to predict the effect of missense changes on protein structure and function outputs the following: PolyPhen-2: "Benign". The serine amino acid residue is found in multiple mammalian species, which suggests that this missense change does not adversely affect protein function. In summary, the available evidence is currently insufficient to determine the role of this variant in disease. Therefore, it has been classified as a Variant of Uncertain Significance.